The following is an entry in ClinVar:

NM_014905.5(GLS):c.1072-2A>C

Gene: GLS (glutaminase; plus strand). Cytogenetic location: 2q32.2.
Variant type: single nucleotide variant.
Coding change: c.1072-2A>C on transcript NM_014905.5 (MANE Select); the canonical splice acceptor site of the intron before coding-DNA position 1072, A replaced by C.
Molecular consequence: splice acceptor variant.
Genome position (GRCh38, 1-based): chr2:190,921,143, A>C. VCF-style: chr2-190921143-A-C. GRCh37 (hg19) VCF-style: chr2-191785869-A-C.
Other names: c.1072-2A>C (NM_001256310.2).
Identifiers: ClinVar variation 1068386 (VCV001068386.9), dbSNP rs2124894940, ClinGen allele CA349906391.

ClinVar aggregate classification (germline): Likely pathogenic (1 of 4 stars; one submission).

Submission:

Labcorp Genetics (formerly Invitae), Labcorp
Classification: Likely pathogenic. Last evaluated: 2022-07-26. Review status: criteria provided, single submitter. Criteria: Invitae Variant Classification Sherloc (09022015). Collection method: clinical testing. Allele origin: germline.
Comment: This sequence change affects an acceptor splice site in intron 8 of the GLS gene. It is expected to disrupt RNA splicing. Variants that disrupt the donor or acceptor splice site typically lead to a loss of protein function (PMID: 16199547), and loss-of-function variants in GLS are known to be pathogenic (PMID: 30575854, 30970188). This variant is not present in population databases (gnomAD no frequency). This variant has not been reported in the literature in individuals affected with GLS-related conditions. ClinVar contains an entry for this variant (Variation ID: 1068386). Algorithms developed to predict the effect of sequence changes on RNA splicing suggest that this variant may disrupt the consensus splice site. In summary, the currently available evidence indicates that the variant is pathogenic, but additional data are needed to prove that conclusively. Therefore, this variant has been classified as Likely Pathogenic.

Literature cited by the submitters: PubMed 16199547; PubMed 30575854; PubMed 30970188.